The following is an entry in ClinVar:

NM_001128148.3(TFRC):c.847A>G (p.Met283Val)

Gene: TFRC (transferrin receptor; minus strand). Cytogenetic location: 3q29.
Variant type: single nucleotide variant.
Coding change: c.847A>G on transcript NM_001128148.3 (MANE Select); coding-DNA position 847, A replaced by G.
Protein change: p.Met283Val; replaces methionine 283 with valine.
Molecular consequence: missense variant. On other transcripts: initiator codon variant (1).
Genome position (GRCh38, 1-based): chr3:196,068,085, T>C on the plus strand (A>G on the coding strand, the complement: TFRC is on the minus strand). VCF-style: chr3-196068085-T-C. GRCh37 (hg19) VCF-style: chr3-195794956-T-C.
Other names: c.604A>G, p.Met202Val (NM_001313965.2); c.1A>G, p.Met1Val (NM_001313966.2); c.847A>G, p.Met283Val (NM_003234.4); short protein forms M202V, M283V, M1V.
Identifiers: ClinVar variation 4749729 (VCV004749729.1).
Genomic context (GRCh38, chr3:196,068,085, plus strand): 5'-AACTCACATGTCCAAAGAATGAAAGTTCTGCGTTAACAATGGGAAATTTAGTCTGGTCCA[T>C]GTATATCAACACACCAATTGCATTTAAGCTTTCAGCATTTGCAACCTAAAAGAAAACATA-3'
Protein context (NP_001121620.1, residues 273-293): SLNAIGVLIY[Met283Val]DQTKFPIVNA

ClinVar aggregate classification (germline): Uncertain significance (1 of 4 stars; one submission).

gnomAD v4.1: 23 of 1,613,662 alleles (0.0014%); highest among the groups gnomAD compares: South Asian, 0.0022%; no homozygotes.

Submission:

Labcorp Genetics (formerly Invitae), Labcorp
Classification: Uncertain significance. Last evaluated: 2026-02-03. Review status: criteria provided, single submitter. Criteria: Invitae Variant Classification Sherloc (09022015). Collection method: clinical testing. Allele origin: germline.
Comment: This sequence change replaces methionine, which is neutral and non-polar, with valine, which is neutral and non-polar, at codon 283 of the TFRC protein (p.Met283Val). This variant is present in population databases (rs200849218, gnomAD 0.002%). This variant has not been reported in the literature in individuals affected with TFRC-related conditions. Invitae Evidence Modeling of protein sequence and biophysical properties (such as structural, functional, and spatial information, amino acid conservation, physicochemical variation, residue mobility, and thermodynamic stability) indicates that this missense variant is not expected to disrupt TFRC protein function with a negative predictive value of 80%. In summary, the available evidence is currently insufficient to determine the role of this variant in disease. Therefore, it has been classified as a Variant of Uncertain Significance.